The following is an entry in ClinVar:

NM_000059.4(BRCA2):c.8593T>G (p.Leu2865Val)

Gene: BRCA2 (BRCA2 DNA repair associated; plus strand). Cytogenetic location: 13q13.1.
Variant type: single nucleotide variant.
Coding change: c.8593T>G on transcript NM_000059.4 (MANE Select); coding-DNA position 8593, T replaced by G.
Protein change: p.Leu2865Val; replaces leucine 2865 with valine.
Molecular consequence: missense variant.
Genome position (GRCh38, 1-based): chr13:32,371,061, T>G. VCF-style: chr13-32371061-T-G. GRCh37 (hg19) VCF-style: chr13-32945198-T-G.
Other names: short protein forms L2865V.
Identifiers: ClinVar variation 38171 (VCV000038171.22), dbSNP rs80359117, ClinGen allele CA025727.

ClinVar aggregate classification (germline): Conflicting classifications of pathogenicity. Review status: criteria provided, conflicting classifications (1 of 4 stars). 6 submissions from 6 submitters: Uncertain significance (2); Likely benign (2). 2 of the submissions do not count toward it. Last evaluated 2023-11-19.

Conditions:
Hereditary cancer-predisposing syndrome. Also called: Tumor predisposition; Neoplastic Syndromes, Hereditary; Hereditary neoplastic syndrome; Hereditary Cancer Syndrome. Identifiers: Orphanet 140162, MedGen C0027672, MeSH D009386, MONDO:0015356.
Hereditary breast ovarian cancer syndrome. Also called: Hereditary breast and ovarian cancer; Hereditary breast and ovarian cancer syndrome (HBOC); Hereditary breast and/or ovarian cancer syndrome; Breast and ovarian cancer; Hereditary breast and ovarian cancer syndrome; BRCA1- and BRCA2-Associated Hereditary Breast and Ovarian Cancer. Identifiers: Orphanet 145, MedGen C0677776, MeSH D061325, MONDO:0003582. Disease mechanism: loss of function.
Breast-ovarian cancer, familial, susceptibility to, 2 (BROVCA2). Also called: BRCA2 Hereditary Breast and Ovarian Cancer. Identifiers: Orphanet 145, MedGen C2675520, MONDO:0012933, OMIM 612555. Disease mechanism: loss of function.

gnomAD v4.1: 10 of 1,614,122 alleles (0.00062%); highest among the groups gnomAD compares: Non-Finnish European, 0.00085%; no homozygotes.

Submissions (6):

Labcorp Genetics (formerly Invitae), Labcorp
Classification: Uncertain significance for Hereditary breast ovarian cancer syndrome. Last evaluated: 2023-11-19. Review status: criteria provided, single submitter. Criteria: Invitae Variant Classification Sherloc (09022015). Collection method: clinical testing. Allele origin: germline.
Comment: This sequence change replaces leucine, which is neutral and non-polar, with valine, which is neutral and non-polar, at codon 2865 of the BRCA2 protein (p.Leu2865Val). This variant is not present in population databases (gnomAD no frequency). This missense change has been observed in individual(s) with clinical features of BRCA2-related conditions (PMID: 21520333). ClinVar contains an entry for this variant (Variation ID: 38171). Advanced modeling performed at Invitae incorporating data from internal and/or published experimental studies (PMID: 33609447) indicates that this missense variant is not expected to disrupt BRCA2 function with a negative predictive value of 95%. Experimental studies have shown that this missense change does not substantially affect BRCA2 function (PMID: 18451181, 23108138, 29394989). In summary, the available evidence is currently insufficient to determine the role of this variant in disease. Therefore, it has been classified as a Variant of Uncertain Significance.

Color Diagnostics, LLC DBA Color Health
Classification: Uncertain significance for Hereditary cancer-predisposing syndrome. Last evaluated: 2021-12-21. Review status: criteria provided, single submitter. Criteria: ACMG Guidelines, 2015. Collection method: clinical testing. Allele origin: germline.
Comment: This missense variant replaces leucine with valine at codon 2865 of the BRCA2 protein. Computational prediction is inconclusive regarding the impact of this variant on protein structure and function (internally defined REVEL score threshold 0.5 < inconclusive < 0.7, PMID: 27666373). Functional studies have shown that the mutant protein exhibits normal homologous DNA repair activity (PMID: 18451181, 23108138, 29884841). To our knowledge, this variant has not been reported in individuals affected with hereditary cancer in the literature. This variant has not been identified in the general population by the Genome Aggregation Database (gnomAD). The available evidence is insufficient to determine the role of this variant in disease conclusively. Therefore, this variant is classified as a Variant of Uncertain Significance.

Ambry Genetics
Classification: Likely benign for Hereditary cancer-predisposing syndrome. Last evaluated: 2020-03-04. Review status: criteria provided, single submitter. Criteria: Ambry Variant Classification Scheme 2023. Collection method: clinical testing. Allele origin: germline.

GeneDx
Classification: Likely benign. Last evaluated: 2018-10-02. Review status: criteria provided, single submitter. Criteria: GeneDx Variant Classification Process June 2021. Collection method: clinical testing. Allele origin: germline. Affected: yes.
Comment: This variant is associated with the following publications: (PMID: 29884841, 29394989, 18451181, 23108138, 19043619, 25447315, 18951461, 24323938)

Sharing Clinical Reports Project (SCRP)
Classification: Uncertain significance for Breast-ovarian cancer, familial 2. Last evaluated: 2007-07-12. Review status: no assertion criteria provided. Collection method: clinical testing. Allele origin: germline. Not counted in ClinVar's aggregate classification.

Breast Cancer Information Core (BIC) (BRCA2)
Classification: Uncertain significance for Breast-ovarian cancer, familial 2. Review status: no assertion criteria provided. Collection method: clinical testing. Allele origin: germline. Affected: yes. Observed: 1 variant allele. Not counted in ClinVar's aggregate classification.

Literature cited by the submitters: PubMed 21520333 (cited by Labcorp Genetics (formerly Invitae), Labcorp); PubMed 33609447 (cited by Labcorp Genetics (formerly Invitae), Labcorp); PubMed 18451181 (cited by 3 submitters); PubMed 23108138 (cited by 3 submitters); PubMed 29394989 (cited by Labcorp Genetics (formerly Invitae), Labcorp and Ambry Genetics); PubMed 29884841 (cited by Color Diagnostics, LLC DBA Color Health and Ambry Genetics); PubMed 19043619 (cited by Ambry Genetics).